The following is an entry in ClinVar:

ClinVar aggregate classification (germline): Conflicting classifications of pathogenicity. Review status: criteria provided, conflicting classifications (1 of 4 stars). 2 submissions from 2 submitters: Likely pathogenic (1); Uncertain significance (1). Last evaluated 2025-04-29.

Conditions:
Inborn genetic diseases. Identifiers: MedGen C0950123, MeSH D030342.
Progressive sclerosing poliodystrophy (MTDPS4A). Also called: Alpers-Huttenlocher Syndrome (AHS); Alpers Syndrome; ALPERS PROGRESSIVE INFANTILE POLIODYSTROPHY; Mitochondrial DNA depletion syndrome 4A (Alpers type); ALPERS DIFFUSE DEGENERATION OF CEREBRAL GRAY MATTER WITH HEPATIC CIRRHOSIS; Alpers-Huttenlocher Syndrome. Identifiers: Orphanet 726, MedGen C0205710, MONDO:0008758, OMIM 203700.

Submissions (2):

Ambry Genetics
Classification: Uncertain significance for Inborn genetic diseases. Last evaluated: 2025-04-29. Review status: criteria provided, single submitter. Criteria: Ambry Variant Classification Scheme 2023. Collection method: clinical testing. Allele origin: germline.

Wong Mito Lab, Molecular and Human Genetics, Baylor College of Medicine
Classification: Likely pathogenic for Progressive sclerosing poliodystrophy. Last evaluated: 2018-10-01. Review status: criteria provided, single submitter. Criteria: ACMG Guidelines, 2015. Collection method: clinical testing. Allele origin: germline.
Comment: The NM_002693.2:c.1418T>C (NP_002684.1:p.Leu473Pro) [GRCH38: NC_000015.10:g.89327182A>G] variant in POLG gene is interpretated to be a Likely Pathogenic based on ACMG guidelines (PMID: 25741868). This variant meets the following evidence codes reported in the ACMG-guideline. PM2:This variant is absent in key population databases. PM3:Detected in trans with a pathogenic variant for Mitochondrial DNA depletion syndrome 4A (Alpers type) which is a recessive disorder. PP1:This variant is co-segregated with Mitochondrial DNA depletion syndrome 4A (Alpers type) in multiple affected family members. PP2:This is a missense variant in POLG with a low rate of benign and high rate of pathogenic missense variations. PP3:Computational evidence/predictors indicate the variant has deleterious effect on POLG structure, function, or protein-protein interaction. Based on the evidence criteria codes applied, the variant is suggested to be Likely Pathogenic.

NM_002693.3(POLG):c.1418T>C (p.Leu473Pro)

Gene: POLG (DNA polymerase gamma, catalytic subunit; minus strand). Cytogenetic location: 15q26.1.
Variant type: single nucleotide variant.
Coding change: c.1418T>C on transcript NM_002693.3 (MANE Select); coding-DNA position 1418, T replaced by C.
Protein change: p.Leu473Pro; replaces leucine 473 with proline.
Molecular consequence: missense variant.
Genome position (GRCh38, 1-based): chr15:89,327,182, A>G on the plus strand (T>C on the coding strand, the complement: POLG is on the minus strand). VCF-style: chr15-89327182-A-G. GRCh37 (hg19) VCF-style: chr15-89870413-A-G.
Other names: c.1418T>C, p.Leu473Pro (NM_001126131.2); short protein forms L473P.
Identifiers: ClinVar variation 619314 (VCV000619314.2), dbSNP rs1567191334, ClinGen allele CA393761544.